The following is an entry in ClinVar:

NM_006922.4(SCN3A):c.914T>C (p.Phe305Ser)

Gene: SCN3A (sodium voltage-gated channel alpha subunit 3; minus strand). Cytogenetic location: 2q24.3.
Variant type: single nucleotide variant.
Coding change: c.914T>C on transcript NM_006922.4 (MANE Select); coding-DNA position 914, T replaced by C.
Protein change: p.Phe305Ser; replaces phenylalanine 305 with serine.
Molecular consequence: missense variant.
Genome position (GRCh38, 1-based): chr2:165,162,609, A>G on the plus strand (T>C on the coding strand, the complement: SCN3A is on the minus strand). VCF-style: chr2-165162609-A-G. GRCh37 (hg19) VCF-style: chr2-166019119-A-G.
Other names: c.914T>C, p.Phe305Ser (NM_001081676.2, NM_001081677.2); short protein forms F305S.
Identifiers: ClinVar variation 4745737 (VCV004745737.1).

ClinVar aggregate classification (germline): Uncertain significance (1 of 4 stars; one submission).

Submission:

Labcorp Genetics (formerly Invitae), Labcorp
Classification: Uncertain significance. Last evaluated: 2025-08-09. Review status: criteria provided, single submitter. Criteria: Invitae Variant Classification Sherloc (09022015). Collection method: clinical testing. Allele origin: germline.
Comment: This sequence change replaces phenylalanine, which is neutral and non-polar, with serine, which is neutral and polar, at codon 305 of the SCN3A protein (p.Phe305Ser). This variant is not present in population databases (gnomAD no frequency). This variant has not been reported in the literature in individuals affected with SCN3A-related conditions. Invitae Evidence Modeling of protein sequence and biophysical properties (such as structural, functional, and spatial information, amino acid conservation, physicochemical variation, residue mobility, and thermodynamic stability) indicates that this missense variant is not expected to disrupt SCN3A protein function with a negative predictive value of 95%. In summary, the available evidence is currently insufficient to determine the role of this variant in disease. Therefore, it has been classified as a Variant of Uncertain Significance.